The following is an entry in ClinVar:

ClinVar aggregate classification (germline): Uncertain significance (1 of 4 stars; one submission).

Conditions:
Severe intellectual disability-poor language-strabismus-grimacing face-long fingers syndrome (GAND). Also called: GAND SYNDROME. Identifiers: Orphanet 363686, MedGen C3554448, MONDO:0014034, OMIM 615074.

Submission:

Neuberg Centre For Genomic Medicine, NCGM
Classification: Uncertain significance for Severe intellectual disability-poor language-strabismus-grimacing face-long fingers syndrome. Last evaluated: 2023-05-20. Review status: criteria provided, single submitter. Criteria: ACMG Guidelines, 2015. Collection method: clinical testing. Allele origin: germline. Inheritance: Autosomal dominant inheritance. Affected: yes.
Comment: The observed missense c.1762T>G(p.Ser588Ala) variant in GATAD2B gene has not been reported previously as a pathogenic variant nor as a benign variant, to our knowledge. This variant is absent in gnomAD Exomes. The amino acid Ser at position 588 is changed to a Ala changing protein sequence and it might alter its composition and physico-chemical properties. The amino acid change p.Ser588Ala in GATAD2B is predicted as conserved by GERP++ and PhyloP across 100 vertebrates. Computational evidence (Polyphen - Benign, SIFT - Tolerated, and MutationTaster - Disease causing) predicts conflicting evidence on protein structure and function for this variant. For these reasons, this variant has been classified as Uncertain Significance.

NM_020699.4(GATAD2B):c.1762T>G (p.Ser588Ala)

Gene: GATAD2B (GATA zinc finger domain containing 2B; minus strand). Cytogenetic location: 1q21.3.
Variant type: single nucleotide variant.
Coding change: c.1762T>G on transcript NM_020699.4 (MANE Select); coding-DNA position 1762, T replaced by G.
Protein change: p.Ser588Ala; replaces serine 588 with alanine.
Molecular consequence: missense variant.
Genome position (GRCh38, 1-based): chr1:153,810,197, A>C on the plus strand (T>G on the coding strand, the complement: GATAD2B is on the minus strand). VCF-style: chr1-153810197-A-C. GRCh37 (hg19) VCF-style: chr1-153782673-A-C.
Other names: short protein forms S588A.
Identifiers: ClinVar variation 3341330 (VCV003341330.1).